The following is an entry in ClinVar:

ClinVar aggregate classification (germline): Uncertain significance (1 of 4 stars; one submission).

Submission:

CeGaT Center for Human Genetics Tuebingen
Classification: Uncertain significance. Last evaluated: 2026-06-01. Review status: criteria provided, single submitter. Criteria: CeGaT Center For Human Genetics Tuebingen Variant Classification Criteria Version 2. Collection method: clinical testing. Allele origin: germline. Affected: yes. Observed: 1 variant allele.
Comment: NEXMIF: PM2

NM_001008537.3(NEXMIF):c.382C>A (p.Pro128Thr)

Gene: NEXMIF (neurite extension and migration factor; minus strand). Cytogenetic location: Xq13.3.
Variant type: single nucleotide variant.
Coding change: c.382C>A on transcript NM_001008537.3 (MANE Select); coding-DNA position 382, C replaced by A.
Protein change: p.Pro128Thr; replaces proline 128 with threonine.
Molecular consequence: missense variant.
Genome position (GRCh38, 1-based): chrX:74,744,175, G>T on the plus strand (C>A on the coding strand, the complement: NEXMIF is on the minus strand). VCF-style: chrX-74744175-G-T. GRCh37 (hg19) VCF-style: chrX-73964010-G-T.
Other names: short protein forms P128T.
Identifiers: ClinVar variation 4873926 (VCV004873926.2).